The following is an entry in ClinVar:

ClinVar aggregate classification (germline): Uncertain significance. Review status: criteria provided, multiple submitters, no conflicts (2 of 4 stars). 3 submissions from 3 submitters: Uncertain significance (3). Last evaluated 2026-03-17.

Conditions:
Arrhythmogenic cardiomyopathy with wooly hair and keratoderma. Also called: Arrhythmogenic cardiomyopathy with woolly hair and keratoderma; Dilated cardiomyopathy with woolly hair and keratoderma; PALMOPLANTAR KERATODERMA WITH LEFT VENTRICULAR CARDIOMYOPATHY AND WOOLLY HAIR; Carvajal syndrome. Identifiers: Orphanet 65282, MedGen C1854063, MONDO:0011581, OMIM 605676.
Arrhythmogenic right ventricular dysplasia 8 (ARVD8). Also called: ARRHYTHMOGENIC RIGHT VENTRICULAR DYSPLASIA, FAMILIAL, 8; ARRHYTHMOGENIC RIGHT VENTRICULAR CARDIOMYOPATHY 8; Arrhythmogenic Right Ventricular Dysplasia/Cardiomyopathy 8. Identifiers: MedGen C1843896, MONDO:0011831, OMIM 607450.

Submissions (3):

Women's Health and Genetics/Laboratory Corporation of America, LabCorp
Classification: Uncertain significance. Last evaluated: 2026-03-17. Review status: criteria provided, single submitter. Criteria: LabCorp Variant Classification Summary - May 2015. Collection method: clinical testing. Allele origin: germline.

All of Us Research Program, National Institutes of Health
Classification: Uncertain significance for Arrhythmogenic cardiomyopathy with wooly hair and keratoderma. Last evaluated: 2024-05-14. Review status: criteria provided, single submitter. Criteria: ACMG Guidelines, 2015. Collection method: clinical testing. Allele origin: germline. Inheritance: Autosomal dominant inheritance. Observed: 1 variant allele, 1 heterozygote.
Comment: This variant causes a duplication of the 'G' nucleotide at the -3 position in intron 1 of the DSP gene. To our knowledge, functional studies have not been reported for this variant. This variant has not been reported in individuals affected with DSP-related disorders in the literature. This variant has not been identified in the general population by the Genome Aggregation Database (gnomAD). The available evidence is insufficient to determine the role of this variant in disease conclusively. Therefore, this variant is classified as a Variant of Uncertain Significance.

This study involves interpretation of variants in research participants for the purpose of population health screening. Participant phenotype was not available at the time of variant classification. Additional details can be found in publication PMID: 35346344, PMCID: PMC8962531

Labcorp Genetics (formerly Invitae), Labcorp
Classification: Uncertain significance for Arrhythmogenic cardiomyopathy with wooly hair and keratoderma; Arrhythmogenic right ventricular dysplasia 8. Last evaluated: 2023-07-16. Review status: criteria provided, single submitter. Criteria: Invitae Variant Classification Sherloc (09022015). Collection method: clinical testing. Allele origin: germline.
Comment: In summary, the available evidence is currently insufficient to determine the role of this variant in disease. Therefore, it has been classified as a Variant of Uncertain Significance. Variants that disrupt the consensus splice site are a relatively common cause of aberrant splicing (PMID: 17576681, 9536098). Algorithms developed to predict the effect of sequence changes on RNA splicing suggest that this variant is not likely to affect RNA splicing. ClinVar contains an entry for this variant (Variation ID: 534301). This variant has not been reported in the literature in individuals affected with DSP-related conditions. This variant is not present in population databases (gnomAD no frequency). This sequence change falls in intron 1 of the DSP gene. It does not directly change the encoded amino acid sequence of the DSP protein. It affects a nucleotide within the consensus splice site.

Literature cited by the submitters: PubMed 17576681 (cited by Labcorp Genetics (formerly Invitae), Labcorp); PubMed 9536098 (cited by Labcorp Genetics (formerly Invitae), Labcorp).

NM_004415.4(DSP):c.171-3dup

Gene: DSP (desmoplakin; plus strand). Cytogenetic location: 6p24.3.
Variant type: Duplication.
Coding change: c.171-3dup on transcript NM_004415.4 (MANE Select); 3 bases into the intron before coding-DNA position 171, one base duplicated (T; older notation c.171-3dupT).
Molecular consequence: intron variant.
Genome position (GRCh38, 1-based): chr6:7,555,715, T duplicated; the last of 2 consecutive T bases (chr6:7,555,714-7,555,715); duplicating either gives the same sequence. VCF-style (leftmost placement, unchanged base first): chr6-7555713-C-CT. GRCh37 (hg19) VCF-style: chr6-7555946-C-CT.
Other names: c.171-3dup (LRG_423t1, NM_001319034.2, NM_001008844.3); c.171-3dupT (NM_004415.2, NM_004415.4).
Identifiers: ClinVar variation 534301 (VCV000534301.11), dbSNP rs1554105600, ClinGen allele CA658796719.